The following is an entry in ClinVar:

ClinVar aggregate classification (germline): Conflicting classifications of pathogenicity. Review status: criteria provided, conflicting classifications (1 of 4 stars). 7 submissions from 7 submitters: Pathogenic (1); Likely pathogenic (3); Uncertain significance (1). 2 of the submissions do not count toward it. Last evaluated 2024-09-04.

Conditions:
Breast-ovarian cancer, familial, susceptibility to, 1 (BROVCA1). Also called: OVARIAN CANCER, SUSCEPTIBILITY TO; BRCA1 Hereditary Breast and Ovarian Cancer. Identifiers: Orphanet 145, MedGen C2676676, MONDO:0011450, OMIM 604370. Disease mechanism: loss of function.
Fanconi anemia, complementation group S (FANCS). Identifiers: MedGen C4554406, MONDO:0054748, OMIM 617883.
Pancreatic cancer, susceptibility to, 4. Identifiers: Orphanet 1333, MedGen C3280442, MONDO:0013685, OMIM 614320.
Hereditary breast ovarian cancer syndrome. Also called: BRCA1- and BRCA2-Associated Hereditary Breast and Ovarian Cancer; Breast and ovarian cancer; Hereditary breast and/or ovarian cancer syndrome; Hereditary breast and ovarian cancer syndrome (HBOC); Hereditary breast and ovarian cancer syndrome; Hereditary breast and ovarian cancer. Identifiers: Orphanet 145, MedGen C0677776, MeSH D061325, MONDO:0003582. Disease mechanism: loss of function.
Familial cancer of breast. Also called: Hereditary breast cancer; BREAST CANCER, FAMILIAL; hereditary breast carcinoma. Identifiers: Orphanet 227535, MedGen C0346153, MONDO:0016419, OMIM 114480. Disease mechanism: loss of function.

Submissions (8):

Myriad Genetics, Inc.
Classification: Uncertain significance for Breast-ovarian cancer, familial, susceptibility to, 1. Last evaluated: 2024-09-04. Review status: criteria provided, single submitter. Criteria: Myriad Autosomal Dominant, Autosomal Recessive and X-Linked Classification Criteria (2023). Collection method: clinical testing. Allele origin: unknown.
Comment: This variant is classified as a variant of uncertain significance as there is insufficient evidence to determine its impact on protein function and/or cancer risk.

Labcorp Genetics (formerly Invitae), Labcorp
Classification: Likely pathogenic for Hereditary breast ovarian cancer syndrome. Last evaluated: 2024-04-01. Review status: criteria provided, single submitter. Criteria: Invitae Variant Classification Sherloc (09022015). Collection method: clinical testing. Allele origin: germline.
Comment: This sequence change falls in intron 15 of the BRCA1 gene. It does not directly change the encoded amino acid sequence of the BRCA1 protein. RNA analysis indicates that this variant induces altered splicing and may result in an absent or disrupted protein product. This variant is not present in population databases (gnomAD no frequency). This variant has been observed in individual(s) with hereditary breast and/or ovarian cancer (PMID: 29446198, 30078507, 35918668). ClinVar contains an entry for this variant (Variation ID: 267568). Algorithms developed to predict the effect of variants on protein structure and function are not available or were not evaluated for this variant. Experimental studies have shown that this variant affects BRCA1 function (PMID: 30209399). Studies have shown that this variant results in skipping of exon 16 and introduces a premature termination codon (Invitae). The resulting mRNA is expected to undergo nonsense-mediated decay. In summary, the currently available evidence indicates that the variant is pathogenic, but additional data are needed to prove that conclusively. Therefore, this variant has been classified as Likely Pathogenic.

National Health Laboratory Service, Universitas Academic Hospital and University of the Free State
Classification: Likely pathogenic for Hereditary breast ovarian cancer syndrome. Last evaluated: 2021-11-16. Review status: criteria provided, single submitter. Criteria: ACMG Guidelines, 2015. Collection method: clinical testing. Allele origin: germline. Affected: yes. Observed: 1 variant allele.

Consortium of Investigators of Modifiers of BRCA1/2 (CIMBA), c/o University of Cambridge
Classification: Pathogenic for Breast-ovarian cancer, familial, susceptibility to, 1. Last evaluated: 2015-10-02. Review status: criteria provided, single submitter. Criteria: CIMBA Mutation Classification guidelines May 2016. Collection method: clinical testing. Allele origin: germline.

Juno Genomics, Hangzhou Juno Genomics, Inc
Classification: Likely pathogenic for Breast-ovarian cancer, familial, susceptibility to, 1; Pancreatic cancer, susceptibility to, 4; Fanconi anemia, complementation group S. Review status: criteria provided, single submitter. Criteria: ACMG Guidelines, 2015. Collection method: clinical testing. Allele origin: germline.
Comment: Absent from controls (or at extremely low frequency if recessive) in Genome Aggregation Database.;The prevalence of the variant in affected individuals is significantly increased compared to the prevalence in controls.;Well-established in vitro or in vivo functional studies supportive of a damaging effect on the gene or gene product.

Research Molecular Genetics Laboratory, Women's College Hospital, University of Toronto
Classification: Uncertain significance. Last evaluated: 2014-01-31. Review status: no assertion criteria provided. Collection method: research. Allele origin: germline. Affected: yes. Study: The Canadian Open Genetics Repository (COGR). Not counted in ClinVar's aggregate classification.

Brotman Baty Institute, University of Washington
No classification provided (evidence only). Condition: Breast-ovarian cancer, familial 1. Review status: no classification provided. Collection method: in vitro. Allele origin: not applicable. Functional consequence: functionally_abnormal. Not counted in ClinVar's aggregate classification.
ClinVar note: "not provided" was previously submitted as the classification for the variant. However, the classification appeared to be based only on an observation of functional data so it was converted to no classification on 2025-07-30.

Center for Precision Medicine, Meizhou People's Hospital
Classification: Pathogenic for Familial cancer of breast. Review status: no assertion criteria provided. Collection method: literature only. Allele origin: germline. Affected: yes. Not counted in ClinVar's aggregate classification.

Literature cited by the submitters: PubMed 29446198 (cited by Labcorp Genetics (formerly Invitae), Labcorp); PubMed 30078507 (cited by Labcorp Genetics (formerly Invitae), Labcorp); PubMed 35918668 (cited by Labcorp Genetics (formerly Invitae), Labcorp); PubMed 30209399 (cited by Labcorp Genetics (formerly Invitae), Labcorp); DOI 10.3389/fgene.2022.834265 (cited by National Health Laboratory Service, Universitas Academic Hospital and University of the Free State); PubMed 35464868 (cited by Center for Precision Medicine, Meizhou People's Hospital).

NM_007294.4(BRCA1):c.4987-5T>C

Gene: BRCA1 (BRCA1 DNA repair associated; minus strand). Cytogenetic location: 17q21.31.
Variant type: single nucleotide variant.
Coding change: c.4987-5T>C on transcript NM_007294.4 (MANE Select); 5 bases into the intron before coding-DNA position 4987, T replaced by C.
Molecular consequence: intron variant.
Genome position (GRCh38, 1-based): chr17:43,067,700, A>G on the plus strand (T>C on the coding strand, the complement: BRCA1 is on the minus strand). VCF-style: chr17-43067700-A-G. GRCh37 (hg19) VCF-style: chr17-41219717-A-G.
Other names: c.1534-5T>C (NM_001408458.1, NM_001408461.1, NM_001408464.1 and 7 more transcripts); c.4096-5T>C (NM_001407967.1); c.4606-5T>C (NM_001407959.1); c.4720-5T>C (NM_001407931.1, NM_001407932.1, NM_001407928.1 and 4 more transcripts); c.4843-5T>C (NM_001407747.1, NM_001407745.1, NM_001407737.1 and 21 more transcripts); c.4603-5T>C (NM_001407962.1, NM_001407960.1); c.1174-5T>C (NM_001408512.1); c.1297-5T>C (NM_001408510.1); and 71 more.
Identifiers: ClinVar variation 267568 (VCV000267568.34), dbSNP rs397509214, ClinGen allele CA10602584.